The following is an entry in ClinVar:

NM_144573.4(NEXN):c.967G>A (p.Glu323Lys)

Gene: NEXN (nexilin F-actin binding protein; plus strand). Cytogenetic location: 1p31.1.
Variant type: single nucleotide variant.
Coding change: c.967G>A on transcript NM_144573.4 (MANE Select); coding-DNA position 967, G replaced by A.
Protein change: p.Glu323Lys; replaces glutamic acid 323 with lysine.
Molecular consequence: missense variant.
Genome position (GRCh38, 1-based): chr1:77,929,418, G>A. VCF-style: chr1-77929418-G-A. GRCh37 (hg19) VCF-style: chr1-78395103-G-A.
Other names: c.775G>A, p.Glu259Lys (NM_001172309.2); short protein forms E259K, E323K.
Identifiers: ClinVar variation 1305820 (VCV001305820.8), dbSNP rs1196365963, ClinGen allele CA340875325.

ClinVar aggregate classification (germline): Uncertain significance. Review status: criteria provided, multiple submitters, no conflicts (2 of 4 stars). 4 submissions from 4 submitters: Uncertain significance (4). Last evaluated 2024-08-26.

Conditions:
Cardiovascular phenotype. Identifiers: MedGen CN230736.
Dilated cardiomyopathy 1CC (CMD1CC). Identifiers: Orphanet 154, MedGen C2751084, MONDO:0013147, OMIM 613122.
Hypertrophic cardiomyopathy 20. Identifiers: MedGen C3151267, MONDO:0013477, OMIM 613876.
Cardiomyopathy (CMYO). Also called: Cardiomyopathies. Identifiers: Orphanet 167848, MedGen C0878544, MONDO:0004994, HP:0001638. Inheritance: Various modes of inheritance.

Allele frequency attached by ClinVar (database versions not stated): gnomAD exomes below 0.00001; TOPMed 0.00002; gnomAD 0.00003 and 0.00004.

Submissions (4):

Ambry Genetics
Classification: Uncertain significance for Cardiovascular phenotype. Last evaluated: 2024-08-26. Review status: criteria provided, single submitter. Criteria: Ambry Variant Classification Scheme 2023. Collection method: clinical testing. Allele origin: germline.

CHEO Genetics Diagnostic Laboratory, Children's Hospital of Eastern Ontario
Classification: Uncertain significance for Cardiomyopathy. Last evaluated: 2023-05-16. Review status: criteria provided, single submitter. Criteria: ACMG Guidelines, 2015. Collection method: clinical testing. Allele origin: germline.

Fulgent Genetics
Classification: Uncertain significance for Dilated cardiomyopathy 1CC; Hypertrophic cardiomyopathy 20. Last evaluated: 2021-08-19. Review status: criteria provided, single submitter. Criteria: ACMG Guidelines, 2015. Collection method: clinical testing. Allele origin: unknown.

GeneDx
Classification: Uncertain significance. Last evaluated: 2019-05-14. Review status: criteria provided, single submitter. Criteria: GeneDx Variant Classification Process June 2021. Collection method: clinical testing. Allele origin: germline. Affected: yes.
Comment: Has not been previously published as pathogenic or benign to our knowledge; Not observed at a significant frequency in large population cohorts (Lek et al., 2016); In silico analysis, which includes protein predictors and evolutionary conservation, supports that this variant does not alter protein structure/function